The following is an entry in ClinVar:

NM_005559.4(LAMA1):c.1300A>G (p.Thr434Ala)

Gene: LAMA1 (laminin subunit alpha 1; minus strand). Cytogenetic location: 18p11.31.
Variant type: single nucleotide variant.
Coding change: c.1300A>G on transcript NM_005559.4 (MANE Select); coding-DNA position 1300, A replaced by G.
Protein change: p.Thr434Ala; replaces threonine 434 with alanine.
Molecular consequence: missense variant.
Genome position (GRCh38, 1-based): chr18:7,040,198, T>C on the plus strand (A>G on the coding strand, the complement: LAMA1 is on the minus strand). VCF-style: chr18-7040198-T-C. GRCh37 (hg19) VCF-style: chr18-7040197-T-C.
Other names: p.Thr434Ala; short protein forms T434A.
Identifiers: ClinVar variation 788003 (VCV000788003.13), dbSNP rs62619829, ClinGen allele CA8883019.

ClinVar aggregate classification (germline): Benign. Review status: criteria provided, multiple submitters, no conflicts (2 of 4 stars). 3 submissions from 3 submitters: Benign (3). Last evaluated 2026-01-28.

Allele frequency attached by ClinVar (database versions not stated): gnomAD exomes 0.00136 and 0.00328; ExAC 0.00397; gnomAD 0.01276 and 0.01374; TOPMed 0.01413; ESP Exome Variant Server 0.01499; 1000 Genomes Project 0.01538; 1000 Genomes Project 30x 0.01546.
gnomAD v4.1: 3,998 of 1,614,078 alleles (0.25%); highest among the groups gnomAD compares: African/African-American, 4.4%; 74 homozygotes.

Submissions (3):

Labcorp Genetics (formerly Invitae), Labcorp
Classification: Benign. Last evaluated: 2026-01-28. Review status: criteria provided, single submitter. Criteria: Invitae Variant Classification Sherloc (09022015). Collection method: clinical testing. Allele origin: germline.

Mayo Clinic Laboratories, Mayo Clinic
Classification: Benign. Last evaluated: 2023-11-06. Review status: criteria provided, single submitter. Criteria: ACMG Guidelines, 2015. Collection method: clinical testing. Allele origin: germline. Observed: 4 variant alleles.
Comment: BA1, BS2, BP4

Breakthrough Genomics
Classification: Benign. Review status: criteria provided, single submitter. Criteria: ACMG Guidelines, 2015. Collection method: not provided. Allele origin: germline. Inheritance: Autosomal recessive inheritance. Affected: yes.